The following is an entry in ClinVar:

ClinVar aggregate classification (germline): Uncertain significance (1 of 4 stars; one submission).

Conditions:
Sandhoff disease. Also called: Beta-hexosaminidase-beta-subunit deficiency; GM2 gangliosidosis, type 2; Total hexosaminidase deficiency; Sandhoff-Jatzkewitz-Pilz disease; GM2-GANGLIOSIDOSIS, TYPE II; HEXOSAMINIDASES A AND B DEFICIENCY. Identifiers: Orphanet 796, MedGen C0036161, MONDO:0010006, OMIM 268800.

Allele frequency attached by ClinVar (database versions not stated): gnomAD exomes 0.00002; gnomAD 0.00003; TOPMed 0.00003; ExAC 0.00005; 1000 Genomes Project 30x 0.00016; 1000 Genomes Project 0.00020.
gnomAD v4.1: 37 of 1,613,760 alleles (0.0023%); highest among the groups gnomAD compares: East Asian, 0.049%; no homozygotes.

Submission:

Labcorp Genetics (formerly Invitae), Labcorp
Classification: Uncertain significance for Sandhoff disease. Last evaluated: 2021-12-03. Review status: criteria provided, single submitter. Criteria: Invitae Variant Classification Sherloc (09022015). Collection method: clinical testing. Allele origin: germline.
Comment: This sequence change affects codon 472 of the HEXB mRNA. It is a 'silent' change, meaning that it does not change the encoded amino acid sequence of the HEXB protein. It affects a nucleotide within the consensus splice site. This variant is present in population databases (rs75028516, gnomAD 0.06%). This variant has not been reported in the literature in individuals affected with HEXB-related conditions. Algorithms developed to predict the effect of sequence changes on RNA splicing suggest that this variant is not likely to affect RNA splicing. In summary, the available evidence is currently insufficient to determine the role of this variant in disease. Therefore, it has been classified as a Variant of Uncertain Significance.

NM_000521.4(HEXB):c.1416C>T (p.Gly472=)

Gene: HEXB (hexosaminidase subunit beta; plus strand). Cytogenetic location: 5q13.3.
Variant type: single nucleotide variant.
Coding change: c.1416C>T on transcript NM_000521.4 (MANE Select); coding-DNA position 1416, C replaced by T.
Protein change: p.Gly472=; no amino-acid change (glycine 472 retained).
Molecular consequence: synonymous variant.
Genome position (GRCh38, 1-based): chr5:74,718,970, C>T. VCF-style: chr5-74718970-C-T. GRCh37 (hg19) VCF-style: chr5-74014795-C-T.
Other names: c.741C>T, p.Gly247= (NM_001292004.2).
Identifiers: ClinVar variation 2192808 (VCV002192808.1), dbSNP rs75028516, ClinGen allele CA3306125.